The following is an entry in ClinVar:

NM_030632.3(ASXL3):c.2701A>G (p.Lys901Glu)

Gene: ASXL3 (ASXL transcriptional regulator 3; plus strand). Cytogenetic location: 18q12.1.
Variant type: single nucleotide variant.
Coding change: c.2701A>G on transcript NM_030632.3 (MANE Select); coding-DNA position 2701, A replaced by G.
Protein change: p.Lys901Glu; replaces lysine 901 with glutamic acid.
Molecular consequence: missense variant.
Genome position (GRCh38, 1-based): chr18:33,740,105, A>G. VCF-style: chr18-33740105-A-G. GRCh37 (hg19) VCF-style: chr18-31320069-A-G.
Other names: short protein forms K901E.
Identifiers: ClinVar variation 3896591 (VCV003896591.3).

ClinVar aggregate classification (germline): Conflicting classifications of pathogenicity. Review status: criteria provided, conflicting classifications (1 of 4 stars). 2 submissions from 2 submitters: Uncertain significance (1); Likely benign (1). Last evaluated 2025-04-28.

gnomAD v4.1: 303 of 1,613,962 alleles (0.019%); highest among the groups gnomAD compares: Non-Finnish European, 0.0015%; no homozygotes.

Submissions (2):

Women's Health and Genetics/Laboratory Corporation of America, LabCorp
Classification: Uncertain significance. Last evaluated: 2025-04-28. Review status: criteria provided, single submitter. Criteria: LabCorp Variant Classification Summary - May 2015. Collection method: clinical testing. Allele origin: germline.
Comment: Variant summary: ASXL3 c.2701A>G (p.Lys901Glu) results in a conservative amino acid change in the encoded protein sequence. Four of five in-silico tools predict a benign effect of the variant on protein function. The variant allele was found at a frequency of 0.0004 in 248860 control chromosomes. This frequency is not significantly higher than estimated for a pathogenic variant in ASXL3 causing Bainbridge-Ropers Syndrome, allowing no conclusion about variant significance. To our knowledge, no occurrence of c.2701A>G in individuals affected with Bainbridge-Ropers Syndrome and no experimental evidence demonstrating its impact on protein function have been reported. No submitters have cited clinical-significance assessments for this variant to ClinVar. Based on the evidence outlined above, the variant was classified as uncertain significance.

Blueprint Genetics
Classification: Likely benign. Last evaluated: 2023-11-06. Review status: criteria provided, single submitter. Criteria: ACMG Guidelines, 2015. Collection method: clinical testing. Allele origin: germline.